The following is an entry in ClinVar:

ClinVar aggregate classification (germline): Uncertain significance (1 of 4 stars; one submission).

Conditions:
AFF4-related disorder. Also called: AFF4-related condition.

Submission:

PreventionGenetics, part of Exact Sciences
Classification: Uncertain significance for AFF4-related condition. Last evaluated: 2026-08-20. Review status: criteria provided, single submitter. Criteria: ACMG Guidelines, 2015. Collection method: clinical testing. Allele origin: germline.
Comment: The AFF4 c.299G>A variant is predicted to result in the amino acid substitution p.Gly100Glu. To our knowledge, this variant has not been reported in the literature or in a large population database (gnomAD), indicating this variant is rare. At this time, the clinical significance of this variant is uncertain due to the absence of conclusive functional and genetic evidence.

NM_014423.4(AFF4):c.299G>A (p.Gly100Glu)

Gene: AFF4 (ALF transcription elongation factor 4; minus strand). Cytogenetic location: 5q31.1.
Variant type: single nucleotide variant.
Coding change: c.299G>A on transcript NM_014423.4 (MANE Select); coding-DNA position 299, G replaced by A.
Protein change: p.Gly100Glu; replaces glycine 100 with glutamic acid.
Molecular consequence: missense variant.
Genome position (GRCh38, 1-based): chr5:132,934,766, C>T on the plus strand (G>A on the coding strand, the complement: AFF4 is on the minus strand). VCF-style: chr5-132934766-C-T. GRCh37 (hg19) VCF-style: chr5-132270458-C-T.
Other names: short protein forms G100E.
Identifiers: ClinVar variation 4992602 (VCV004992602.1).
Genomic context (GRCh38, chr5:132,934,766, plus strand): 5'-GACTGAGAAGTGCTGGGTGCGGGTCCTACTGGAGTCCATTTGCTACTCTGATGAGAGCCT[C>T]CATGTCTCTGTTCAAAGAAATTTGGGTTAGATTTTTCATCTGCTGATGGTGGTACTGTAG-3'
Protein context (NP_055238.1, residues 90-110): SNPNFFEQRH[Gly100Glu]GSHQSSKWTP